The following is an entry in ClinVar:

NM_000391.4(TPP1):c.88A>G (p.Thr30Ala)

Gene: TPP1 (tripeptidyl peptidase 1; minus strand). Cytogenetic location: 11p15.4.
Variant type: single nucleotide variant.
Coding change: c.88A>G on transcript NM_000391.4 (MANE Select); coding-DNA position 88, A replaced by G.
Protein change: p.Thr30Ala; replaces threonine 30 with alanine.
Molecular consequence: missense variant.
Genome position (GRCh38, 1-based): chr11:6,619,197, T>C on the plus strand (A>G on the coding strand, the complement: TPP1 is on the minus strand). VCF-style: chr11-6619197-T-C. GRCh37 (hg19) VCF-style: chr11-6640428-T-C.
Other names: short protein forms T30A.
Identifiers: ClinVar variation 1001700 (VCV001001700.7), dbSNP rs1855632314, ClinGen allele CA379476935.
Genomic context (GRCh38, chr11:6,619,197, plus strand): 5'-GACAGTGGGAGGCAGAACAGGGTATGGGGAAGGGGGCAGTCTGTGCTAAGTCAACTCACG[T>C]CCTCCGCTGGTCGGGCTCCGGGCTGTAACTGCATTTGCCAGAGAGGATGAGGGCAAAGAG-3'
Protein context (NP_000382.3, residues 20-40): SYSPEPDQRR[Thr30Ala]LPPGWVSLGR

ClinVar aggregate classification (germline): Uncertain significance. Review status: criteria provided, single submitter (1 of 4 stars). 2 submissions from 2 submitters: Uncertain significance (1). 1 of the submissions does not count toward it. Last evaluated 2021-08-28.

Conditions:
Neuronal ceroid lipofuscinosis 2. Also called: TPP1-Related Neuronal Ceroid-Lipofuscinosis; JANSKY-BIELSCHOWSKY DISEASE NEURONAL CEROID LIPOFUSCINOSIS, LATE INFANTILE. Identifiers: Orphanet 168491, Orphanet 228349, Orphanet 79264, MedGen C1876161, MONDO:0008769, OMIM 204500.

Allele frequency attached by ClinVar (database versions not stated): gnomAD exomes below 0.00001.

Submissions (2):

Labcorp Genetics (formerly Invitae), Labcorp
Classification: Uncertain significance. Last evaluated: 2021-08-28. Review status: criteria provided, single submitter. Criteria: Invitae Variant Classification Sherloc (09022015). Collection method: clinical testing. Allele origin: germline.
Comment: This sequence change replaces threonine with alanine at codon 30 of the TPP1 protein (p.Thr30Ala). The threonine residue is weakly conserved and there is a small physicochemical difference between threonine and alanine. This variant is not present in population databases (ExAC no frequency). This variant has not been reported in the literature in individuals affected with TPP1-related conditions. Algorithms developed to predict the effect of missense changes on protein structure and function (SIFT, PolyPhen-2, Align-GVGD) all suggest that this variant is likely to be tolerated. Algorithms developed to predict the effect of sequence changes on RNA splicing suggest that this variant may disrupt the consensus splice site. In summary, the available evidence is currently insufficient to determine the role of this variant in disease. Therefore, it has been classified as a Variant of Uncertain Significance.

Natera, Inc.
Classification: Uncertain significance for Neuronal ceroid lipofuscinosis 2. Last evaluated: 2020-04-13. Review status: no assertion criteria provided. Collection method: clinical testing. Allele origin: germline. Not counted in ClinVar's aggregate classification.